The following is an entry in ClinVar:

ClinVar aggregate classification (germline): Uncertain significance (1 of 4 stars; one submission).

Submission:

Women's Health and Genetics/Laboratory Corporation of America, LabCorp
Classification: Uncertain significance. Last evaluated: 2025-05-02. Review status: criteria provided, single submitter. Criteria: LabCorp Variant Classification Summary - May 2015. Collection method: clinical testing. Allele origin: germline.
Comment: Variant summary: MMP13 c.725delC (p.Pro242LeufsX60) results in a premature termination codon, predicted to cause a truncation of the encoded protein or absence of the protein due to nonsense mediated decay, however current evidence is not sufficient to establish loss of function as a mechanism for disease. The variant was absent in 251260 control chromosomes. The available data on variant occurrences in the general population are insufficient to allow any conclusion about variant significance. To our knowledge, no occurrence of c.725delC in individuals affected with Metaphyseal Anadysplasia 1, Autosomal Dominant and no experimental evidence demonstrating its impact on protein function have been reported. No submitters have cited clinical-significance assessments for this variant to ClinVar. Based on the evidence outlined above, the variant was classified as uncertain significance.

NM_002427.4(MMP13):c.725del (p.Pro242fs)

Gene: MMP13 (matrix metallopeptidase 13; minus strand). Cytogenetic location: 11q22.2.
Variant type: Deletion.
Coding change: c.725del on transcript NM_002427.4 (MANE Select); coding-DNA position 725, one base deleted (C; older notation c.725delC).
Protein change: p.Pro242fs; shifts the reading frame from proline 242.
Molecular consequence: frameshift variant.
Genome position (GRCh38, 1-based): chr11:102,952,086, G deleted on the plus strand (C on the coding strand, the reverse complement: MMP13 is on the minus strand); the first of 2 consecutive G bases (chr11:102,952,086-102,952,087); deleting either gives the same sequence. VCF-style (leftmost placement, unchanged base first): chr11-102952085-AG-A. GRCh37 (hg19) VCF-style: chr11-102822814-AG-A.
Other names: c.725delC (NM_002427.4); short protein forms P242fs.
Identifiers: ClinVar variation 3902562 (VCV003902562.1).